The following is an entry in ClinVar:

ClinVar aggregate classification (germline): Uncertain significance. Review status: criteria provided, multiple submitters, no conflicts (2 of 4 stars). 2 submissions from 2 submitters: Uncertain significance (2). Last evaluated 2024-02-03.

Allele frequency attached by ClinVar (database versions not stated): ExAC 0.00001; gnomAD 0.00001; TOPMed 0.00002; ESP Exome Variant Server 0.00008.

Submissions (2):

Labcorp Genetics (formerly Invitae), Labcorp
Classification: Uncertain significance. Last evaluated: 2024-02-03. Review status: criteria provided, single submitter. Criteria: Invitae Variant Classification Sherloc (09022015). Collection method: clinical testing. Allele origin: germline.
Comment: This sequence change replaces methionine, which is neutral and non-polar, with threonine, which is neutral and polar, at codon 351 of the BUB1 protein (p.Met351Thr). This variant is present in population databases (rs371412422, gnomAD 0.004%). This variant has not been reported in the literature in individuals affected with BUB1-related conditions. ClinVar contains an entry for this variant (Variation ID: 2464613). Algorithms developed to predict the effect of missense changes on protein structure and function output the following: SIFT: "Not Available"; PolyPhen-2: "Not Available"; Align-GVGD: "Not Available". The threonine amino acid residue is found in multiple mammalian species, which suggests that this missense change does not adversely affect protein function. In summary, the available evidence is currently insufficient to determine the role of this variant in disease. Therefore, it has been classified as a Variant of Uncertain Significance.

Ambry Genetics
Classification: Uncertain significance. Last evaluated: 2022-12-29. Review status: criteria provided, single submitter. Criteria: Ambry Variant Classification Scheme 2023. Collection method: clinical testing. Allele origin: germline.
Comment: The p.M351T variant (also known as c.1052T>C), located in coding exon 10 of the BUB1 gene, results from a T to C substitution at nucleotide position 1052. The methionine at codon 351 is replaced by threonine, an amino acid with similar properties. This amino acid position is conserved. In addition, this alteration is predicted to be tolerated by in silico analysis. Since supporting evidence is limited at this time, the clinical significance of this alteration remains unclear.

NM_004336.5(BUB1):c.1052T>C (p.Met351Thr)

Gene: BUB1 (BUB1 mitotic checkpoint serine/threonine kinase; minus strand). Cytogenetic location: 2q13.
Variant type: single nucleotide variant.
Coding change: c.1052T>C on transcript NM_004336.5 (MANE Select); coding-DNA position 1052, T replaced by C.
Protein change: p.Met351Thr; replaces methionine 351 with threonine.
Molecular consequence: missense variant.
Genome position (GRCh38, 1-based): chr2:110,661,747, A>G on the plus strand (T>C on the coding strand, the complement: BUB1 is on the minus strand). VCF-style: chr2-110661747-A-G. GRCh37 (hg19) VCF-style: chr2-111419324-A-G.
Other names: c.992T>C, p.Met331Thr (NM_001278616.2); c.1052T>C, p.Met351Thr (NM_001278617.2); short protein forms M331T, M351T.
Identifiers: ClinVar variation 2464613 (VCV002464613.5), dbSNP rs371412422, ClinGen allele CA1828170.